The following is an entry in ClinVar:

NM_000492.4(CFTR):c.3458T>A (p.Val1153Glu)

Genes: CFTR (CF transmembrane conductance regulator; plus strand), CFTR-AS2 (CFTR antisense RNA 2; minus strand). Cytogenetic location: 7q31.2.
Variant type: single nucleotide variant.
Coding change: c.3458T>A on transcript NM_000492.4 (MANE Select); coding-DNA position 3458, T replaced by A.
Protein change: p.Val1153Glu; replaces valine 1153 with glutamic acid.
Molecular consequence: missense variant.
Genome position (GRCh38, 1-based): chr7:117,614,703, T>A. VCF-style: chr7-117614703-T-A. GRCh37 (hg19) VCF-style: chr7-117254757-T-A.
Other names: short protein forms V1153E.
Identifiers: ClinVar variation 53747 (VCV000053747.22), dbSNP rs397508567, ClinGen allele CA327194.

ClinVar aggregate classification (germline): Conflicting classifications of pathogenicity. Review status: criteria provided, conflicting classifications (1 of 4 stars). 8 submissions from 8 submitters: Pathogenic (1); Likely pathogenic (2); Uncertain significance (4). 1 of the submissions does not count toward it. Last evaluated 2025-12-31.

Conditions:
CFTR-related disorder (CFTR-RD). Also called: CFTR-related condition; CFTR-related disorders. Identifiers: MedGen C5924204, MONDO:7770004.
Bronchiectasis with or without elevated sweat chloride 1 (BESC1). Also called: Cystic Fibrosis-Like Syndrome. Identifiers: Orphanet 60033, MedGen C2749757, MONDO:0008887, OMIM 211400.
Cystic fibrosis (CF). Also called: MUCOVISCIDOSIS. Identifiers: Orphanet 586, MedGen C0010674, MONDO:0009061, OMIM 219700. Disease mechanism: loss of function.

Allele frequency attached by ClinVar (database versions not stated): ExAC 0.00005; gnomAD 0.00003 and 0.00002; gnomAD exomes 0.00004 and 0.00003; TOPMed 0.00002.
gnomAD v4.1: 55 of 1,608,492 alleles (0.0034%); highest among the groups gnomAD compares: Non-Finnish European, 0.0043%; no homozygotes.

Submissions (8):

Women's Health and Genetics/Laboratory Corporation of America, LabCorp
Classification: Uncertain significance. Last evaluated: 2025-12-31. Review status: criteria provided, single submitter. Criteria: LabCorp Variant Classification Summary - May 2015. Collection method: clinical testing. Allele origin: germline.
Comment: Variant summary: CFTR c.3458T>A (p.Val1153Glu) results in a non-conservative amino acid change located in the ABC transporter type 1, transmembrane domain (IPR011527) of the encoded protein sequence. Algorithms developed to predict the effect of missense changes on protein structure and function are either unavailable or do not agree on the potential impact of this missense change. The variant allele was found at a frequency of 3.2e-05 in 250860 control chromosomes. c.3458T>A has been reported in the literature as a biallelic genotype in trans with other pathogenic CFTR variants such as p.Phe508del, in individuals affected with features of Non-Classic Cystic Fibrosis such as Congenital absence of vas deferens and/or adults with Cystic Fibrosis and the CFTR2 cohort (Dork_1997, Ratbi_2007, Pagin_2016, McCague_2019, Burgel_2024, Steiner_2011, Desai_2018). The reported mean Sweat chloride value among individuals with this variant in trans with p.Phe508del was 40 mmol/L (n=5) in the CFTR2 cohort (McCague_2019). These data indicate that the variant may be be associated with variably expressive/mild disease. At least one publication reports experimental evidence evaluating an impact on protein function. The most pronounced variant effect results in CFTR conductance of approximately 18% of normal activity (Raraigh_2018, Bihler_2024). The following publications have been ascertained in the context of this evaluation (PMID: 38388235, 39151434, 9272157, 30888834, 26900683, 29805046, 17329263, 21520337, 29944384). ClinVar contains an entry for this variant (Variation ID: 53747). Based on the evidence outlined above, the variant was classified as VUS-possibly pathogenic.

Mendelics
Classification: Likely pathogenic for Cystic fibrosis. Last evaluated: 2025-03-20. Review status: criteria provided, single submitter. Criteria: ACMG Guidelines, 2015. Collection method: clinical testing. Allele origin: unknown.
Comment: VarIant NM_000492.4(CFTR):c.3458T>A (p.Val1153Glu) has GnomAD 4.1 frequency of 0.00003419 with 0 homozygote. Reported as likely pathogenic in PMID 29805046

Ambry Genetics
Classification: Uncertain significance for Cystic fibrosis. Last evaluated: 2025-02-07. Review status: criteria provided, single submitter. Criteria: Ambry Variant Classification Scheme 2023. Collection method: clinical testing. Allele origin: germline.
Comment: The p.V1153E variant (also known as c.3458T>A), located in coding exon 21 of the CFTR gene, results from a T to A substitution at nucleotide position 3458. The valine at codon 1153 is replaced by glutamic acid, an amino acid with dissimilar properties. This variant has been detected as compound heterozygous with other CFTR variants in individuals with congenital bilateral absence of the vas deferens (CBAVD), as well as asymptomatic individuals (D&ouml;rk T et al. Hum Genet, 1997 Sep;100:365-77; Steiner B et al. Hum Mutat, 2011 Aug;32:912-20; Claustres M et al. Hum Mutat, 2017 10;38:1297-1315; Pagin A et al. PLoS One, 2016 Feb;11:e0149426). This variant has also been detected in the heterozygous state in individuals with CBAVD or allergic bronchopulmonary aspergillosis (ABPA) who did not have a second variant identified (Ratbi I et al. Hum Reprod, 2007 May;22:1285-91; Lebecque P et al. Thorax, 2011 Jun;66:540-1). Functional analysis of this variant in CFBE cells demonstrated 18% activity compared to wild type (Raraigh KS et al. Am. J. Hum. Genet., 2018 06;102:1062-1077). In another assay testing CFTR function, this variant showed a functionally abnormal result (Bihler H et al. J Cyst Fibros, 2024 Jul;23:664-675). This amino acid position is well conserved in available vertebrate species. In addition, this alteration is predicted to be deleterious by in silico analysis. Based on available evidence to date, this variant is unlikely to be causative of classic cystic fibrosis; however, its contribution to the development of a CFTR-related disorder is uncertain. This alteration is thus classified as a variant of unknown significance.

Baylor Genetics
Classification: Likely pathogenic for Bronchiectasis with or without elevated sweat chloride 1. Last evaluated: 2024-03-18. Review status: criteria provided, single submitter. Criteria: ACMG Guidelines, 2015. Collection method: clinical testing. Allele origin: unknown.

Labcorp Genetics (formerly Invitae), Labcorp
Classification: Uncertain significance for Cystic fibrosis. Last evaluated: 2021-09-07. Review status: criteria provided, single submitter. Criteria: Invitae Variant Classification Sherloc (09022015). Collection method: clinical testing. Allele origin: germline.
Comment: This sequence change replaces valine with glutamic acid at codon 1153 of the CFTR protein (p.Val1153Glu). The valine residue is moderately conserved and there is a moderate physicochemical difference between valine and glutamic acid. This variant is present in population databases (rs397508567, ExAC 0.008%). This missense change has been observed in individuals with congenital absence of the vas deferens and/or suspected cystic fibrosis (PMID: 9272157, 17329263, 26900683, 29805046). ClinVar contains an entry for this variant (Variation ID: 53747). Algorithms developed to predict the effect of missense changes on protein structure and function are either unavailable or do not agree on the potential impact of this missense change (SIFT: "Deleterious"; PolyPhen-2: "Possibly Damaging"; Align-GVGD: "Class C0"). Experimental studies have shown that this missense change affects CFTR function (PMID: 29805046). In summary, the available evidence is currently insufficient to determine the role of this variant in disease. Therefore, it has been classified as a Variant of Uncertain Significance.

Mayo Clinic Laboratories, Mayo Clinic
Classification: Uncertain significance. Last evaluated: 2020-08-06. Review status: criteria provided, single submitter. Criteria: ACMG Guidelines, 2015. Collection method: clinical testing. Allele origin: germline. Observed: 1 variant allele.

CFTR-France
Classification: Pathogenic for CFTR-related disorders. Last evaluated: 2018-01-29. Review status: criteria provided, single submitter. Criteria: Claustres M et al. (Hum Mutat 2017). Collection method: curation. Allele origin: germline. Affected: yes.

ClinVar Staff, National Center for Biotechnology Information (NCBI)
No classification provided. Condition: CFTR-related disorders. Review status: no classification provided. Collection method: literature only. Allele origin: germline. Affected: yes. Not counted in ClinVar's aggregate classification.

Literature cited by the submitters: PubMed 9272157 (cited by 3 submitters); PubMed 17329263 (cited by 4 submitters); PubMed 21520337 (cited by Women's Health and Genetics/Laboratory Corporation of America, LabCorp and Ambry Genetics); PubMed 29805046 (cited by 4 submitters); PubMed 26900683 (cited by 3 submitters); PubMed 29944384 (cited by Women's Health and Genetics/Laboratory Corporation of America, LabCorp); PubMed 30888834 (cited by Women's Health and Genetics/Laboratory Corporation of America, LabCorp); PubMed 38388235 (cited by Women's Health and Genetics/Laboratory Corporation of America, LabCorp and Ambry Genetics); PubMed 39151434 (cited by Women's Health and Genetics/Laboratory Corporation of America, LabCorp); PubMed 20837875 (cited by Ambry Genetics); PubMed 28603918 (cited by Ambry Genetics).